The following is an entry in ClinVar:

NM_032638.5(GATA2):c.852C>T (p.Ser284=)

Gene: GATA2 (GATA binding protein 2; minus strand). Cytogenetic location: 3q21.3.
Variant type: single nucleotide variant.
Coding change: c.852C>T on transcript NM_032638.5 (MANE Select); coding-DNA position 852, C replaced by T.
Protein change: p.Ser284=; no amino-acid change (serine 284 retained).
Molecular consequence: synonymous variant.
Genome position (GRCh38, 1-based): chr3:128,485,746, G>A on the plus strand (C>T on the coding strand, the complement: GATA2 is on the minus strand). VCF-style: chr3-128485746-G-A. GRCh37 (hg19) VCF-style: chr3-128204589-G-A.
Other names: c.852C>T, p.Ser284= (NM_001145661.2, NM_001145662.1).
Identifiers: ClinVar variation 661838 (VCV000661838.13), dbSNP rs1282036381, ClinGen allele CA435510226.

ClinVar aggregate classification (germline): Conflicting classifications of pathogenicity. Review status: criteria provided, conflicting classifications (1 of 4 stars). 4 submissions from 4 submitters: Uncertain significance (2); Likely benign (2). Last evaluated 2025-09-09.

Conditions:
Deafness-lymphedema-leukemia syndrome. Also called: Lymphedema, primary, with myelodysplasia; Emberger syndrome. Identifiers: Orphanet 3226, MedGen C3279664, MONDO:0013540, OMIM 614038.
Monocytopenia with susceptibility to infections. Also called: MONOCYTOPENIA AND MYCOBACTERIAL INFECTION SYNDROME; MONOCYTOPENIA WITH SUSCEPTIBILITY TO MYCOBACTERIAL, FUNGAL, AND PAPILLOMAVIRUS INFECTIONS AND MYELODYSPLASIA; COMBINED IMMUNODEFICIENCY WITH SUSCEPTIBILITY TO MYCOBACTERIAL, VIRAL, AND FUNGAL INFECTIONS; Dendritic cell, monocyte, B lymphocyte, and natural killer lymphocyte deficiency; IMMUNODEFICIENCY 21; GATA2 DEFICIENCY. Identifiers: Orphanet 228423, MedGen C3280030, MONDO:0013607, OMIM 614172.
Inborn genetic diseases. Identifiers: MedGen C0950123, MeSH D030342.

Allele frequency attached by ClinVar (database versions not stated): gnomAD exomes below 0.00001.
gnomAD v4.1: 3 of 1,613,866 alleles (0.00019%); highest among the groups gnomAD compares: Admixed American, 0.0033%; no homozygotes.

Submissions (4):

Ambry Genetics
Classification: Likely benign for Inborn genetic diseases. Last evaluated: 2025-09-09. Review status: criteria provided, single submitter. Criteria: Ambry Variant Classification Scheme 2023. Collection method: clinical testing. Allele origin: germline.

Labcorp Genetics (formerly Invitae), Labcorp
Classification: Likely benign for Monocytopenia with susceptibility to infections; Deafness-lymphedema-leukemia syndrome. Last evaluated: 2025-07-30. Review status: criteria provided, single submitter. Criteria: Invitae Variant Classification Sherloc (09022015). Collection method: clinical testing. Allele origin: germline.

Women's Health and Genetics/Laboratory Corporation of America, LabCorp
Classification: Uncertain significance. Last evaluated: 2023-12-22. Review status: criteria provided, single submitter. Criteria: LabCorp Variant Classification Summary - May 2015. Collection method: clinical testing. Allele origin: germline.
Comment: Variant summary: GATA2 c.852C>T alters a conserved nucleotide resulting in a synonymous change. Several computational tools predict a significant impact on normal splicing: four predict the variant creates a 5' donor site. However, these predictions have yet to be confirmed by functional studies. The variant allele was found at a frequency of 4e-06 in 248626 control chromosomes (gnomAD). The available data on variant occurrences in the general population are insufficient to allow any conclusion about variant significance. To our knowledge, no occurrence of c.852C>T in individuals affected with GATA2-Related Disorders and no experimental evidence demonstrating its impact on protein function have been reported. Two submitters have reported clinical-significance assessments for this variant to ClinVar after 2014. One submitter classified the variant as likely benign, and one submitter classified the variant as uncertain significance. Based on the evidence outlined above, the variant was classified as uncertain significance.

GeneDx
Classification: Uncertain significance. Last evaluated: 2023-04-07. Review status: criteria provided, single submitter. Criteria: GeneDx Variant Classification Process June 2021. Collection method: clinical testing. Allele origin: germline. Affected: yes.
Comment: Not observed at significant frequency in large population cohorts (gnomAD); In silico analysis supports that this variant does not alter splicing; Has not been previously published as pathogenic or benign to our knowledge

Literature cited by the submitters: PubMed 25241285 (cited by Women's Health and Genetics/Laboratory Corporation of America, LabCorp); PubMed 22649106 (cited by Women's Health and Genetics/Laboratory Corporation of America, LabCorp); PubMed 26660446 (cited by Women's Health and Genetics/Laboratory Corporation of America, LabCorp); PubMed 26022708 (cited by Women's Health and Genetics/Laboratory Corporation of America, LabCorp); PubMed 28654364 (cited by Women's Health and Genetics/Laboratory Corporation of America, LabCorp); PubMed 27276561 (cited by Women's Health and Genetics/Laboratory Corporation of America, LabCorp); PubMed 30190467 (cited by Women's Health and Genetics/Laboratory Corporation of America, LabCorp); PubMed 27069254 (cited by Women's Health and Genetics/Laboratory Corporation of America, LabCorp).